The following is an entry in ClinVar:

ClinVar aggregate classification (germline): Uncertain significance (1 of 4 stars; one submission).

Allele frequency attached by ClinVar (database versions not stated): gnomAD 0.00011; ExAC 0.00015.
gnomAD v4.1: 158 of 1,469,272 alleles (0.011%); highest among the groups gnomAD compares: Non-Finnish European, 0.0028%; no homozygotes.

Submission:

CeGaT Center for Human Genetics Tuebingen
Classification: Uncertain significance. Last evaluated: 2024-03-01. Review status: criteria provided, single submitter. Criteria: CeGaT Center For Human Genetics Tuebingen Variant Classification Criteria Version 2. Collection method: clinical testing. Allele origin: germline. Affected: yes. Observed: 2 variant alleles.
Comment: HERC2: PM2, PP2, PP3

NM_004667.6(HERC2):c.8198A>T (p.Glu2733Val)

Gene: HERC2 (HECT and RLD domain containing E3 ubiquitin protein ligase 2; minus strand). Cytogenetic location: 15q13.1.
Variant type: single nucleotide variant.
Coding change: c.8198A>T on transcript NM_004667.6 (MANE Select); coding-DNA position 8198, A replaced by T.
Protein change: p.Glu2733Val; replaces glutamic acid 2733 with valine.
Molecular consequence: missense variant.
Genome position (GRCh38, 1-based): chr15:28,196,277, T>A on the plus strand (A>T on the coding strand, the complement: HERC2 is on the minus strand). VCF-style: chr15-28196277-T-A. GRCh37 (hg19) VCF-style: chr15-28441423-T-A.
Other names: short protein forms E2733V.
Identifiers: ClinVar variation 2645060 (VCV002645060.24), dbSNP rs202137777, ClinGen allele CA7441543.